The following is an entry in ClinVar:

NM_001875.5(CPS1):c.794C>T (p.Pro265Leu)

Gene: CPS1 (carbamoyl-phosphate synthase 1; plus strand). Cytogenetic location: 2q34.
Variant type: single nucleotide variant.
Coding change: c.794C>T on transcript NM_001875.5 (MANE Select); coding-DNA position 794, C replaced by T.
Protein change: p.Pro265Leu; replaces proline 265 with leucine.
Molecular consequence: missense variant. On other transcripts: non-coding transcript variant (1).
Genome position (GRCh38, 1-based): chr2:210,590,188, C>T. VCF-style: chr2-210590188-C-T. GRCh37 (hg19) VCF-style: chr2-211454912-C-T.
Other names: c.794C>T, p.Pro265Leu (NM_001122633.3, NM_001369257.1); c.827C>T, p.Pro276Leu (NM_001369256.1); short protein forms P265L, P276L.
Identifiers: ClinVar variation 2445716 (VCV002445716.7), dbSNP rs1433029121, ClinGen allele CA350429825.

ClinVar aggregate classification (germline): Conflicting classifications of pathogenicity. Review status: criteria provided, conflicting classifications (1 of 4 stars). 5 submissions from 5 submitters: Likely pathogenic (4); Uncertain significance (1). Last evaluated 2026-06-03.

Conditions:
Pulmonary hypertension, neonatal, susceptibility to (PHN). Identifiers: MedGen C3714958, MONDO:0014151, OMIM 615371.
Congenital hyperammonemia, type I. Also called: Carbamoyl phosphate synthetase 1 deficiency; Hyperammonemia due to carbamoyl phosphate synthetase 1 deficiency; CPS 1 deficiency; Carbamyl phosphate synthetase (CPS) deficiency; CPS I DEFICIENCY; Carbamoyl-phosphate synthase I deficiency. Identifiers: Orphanet 147, MedGen C4082171, MONDO:0009376, OMIM 237300.

Allele frequency attached by ClinVar (database versions not stated): gnomAD exomes below 0.00001; TOPMed below 0.00001.
gnomAD v4.1: 6 of 1,612,790 alleles (0.00037%); highest among the groups gnomAD compares: East Asian, 0.0022%; no homozygotes.

Submissions (5):

Myriad Genetics, Inc.
Classification: Uncertain significance for Congenital hyperammonemia, type I. Last evaluated: 2026-06-03. Review status: criteria provided, single submitter. Criteria: Myriad Autosomal Dominant, Autosomal Recessive and X-Linked Classification Criteria (2023). Collection method: clinical testing. Allele origin: unknown.
Comment: NM_001875.4(CPS1):c.794C>T(P265L) is a missense variant classified as a variant of uncertain significance in the context of carbamoylphosphate synthetase I deficiency. P265L has been observed in cases with relevant disease (PMID: 22575620, 33309754, 33190319). Relevant functional assessments of this variant are not available in the literature. P265L has been observed in referenced population frequency databases. In summary, there is insufficient evidence to classify NM_001875.4(CPS1):c.794C>T(P265L) as pathogenic or benign. Please note: this variant was assessed in the context of healthy population screening.

Natera, Inc.
Classification: Likely pathogenic for Carbamoyl-phosphate synthase I deficiency. Last evaluated: 2025-10-08. Review status: criteria provided, single submitter. Criteria: Natera Variant Classification Schema (03/2026). Collection method: clinical testing. Allele origin: germline.
Comment: The c.794C>T variant in CPS1 is a missense variant predicted to cause substitution of proline to leucine at amino acid 265. This variant is rare in the general population with a frequency below the threshold expected for the associated phenotype(s). This variant has been observed in one or more individuals affected with the associated recessive disease, as either homozygous or compound heterozygous with a second variant (PMID: 22575620, 33309754, 33190319). Computational prediction algorithms indicate this variant is likely to affect gene or protein function. Given the available evidence, this variant is classified as Likely Pathogenic.

Labcorp Genetics (formerly Invitae), Labcorp
Classification: Likely pathogenic for Congenital hyperammonemia, type I. Last evaluated: 2025-08-11. Review status: criteria provided, single submitter. Criteria: Invitae Variant Classification Sherloc (09022015). Collection method: clinical testing. Allele origin: germline.
Comment: This sequence change replaces proline, which is neutral and non-polar, with leucine, which is neutral and non-polar, at codon 265 of the CPS1 protein (p.Pro265Leu). This variant is present in population databases (no rsID available, gnomAD 0.003%). This missense change has been observed in individuals with clinical or biochemical features of carbamoyl phosphate synthetase I deficiency (PMID: 22575620, 33190319, 33309754). ClinVar contains an entry for this variant (Variation ID: 2445716). Invitae Evidence Modeling of protein sequence and biophysical properties (such as structural, functional, and spatial information, amino acid conservation, physicochemical variation, residue mobility, and thermodynamic stability) has been performed for this missense variant. However, the output from this modeling did not meet the statistical confidence thresholds required to predict the impact of this variant on CPS1 protein function. This variant disrupts the p.Pro265 amino acid residue in CPS1. Other variant(s) that disrupt this residue have been observed in individuals with CPS1-related conditions (internal data), which suggests that this may be a clinically significant amino acid residue. In summary, the currently available evidence indicates that the variant is pathogenic, but additional data are needed to prove that conclusively. Therefore, this variant has been classified as Likely Pathogenic.

Baylor Genetics
Classification: Likely pathogenic for Pulmonary hypertension, neonatal, susceptibility to. Last evaluated: 2024-02-24. Review status: criteria provided, single submitter. Criteria: ACMG Guidelines, 2015. Collection method: clinical testing. Allele origin: unknown.

Women's Health and Genetics/Laboratory Corporation of America, LabCorp
Classification: Likely pathogenic for Congenital hyperammonemia, type I. Last evaluated: 2023-02-05. Review status: criteria provided, single submitter. Criteria: LabCorp Variant Classification Summary - May 2015. Collection method: clinical testing. Allele origin: germline.
Comment: Variant summary: CPS1 c.794C>T (p.Pro265Leu) results in a non-conservative amino acid change in the encoded protein sequence. Five of five in-silico tools predict a damaging effect of the variant on protein function. The variant allele was found at a frequency of 8e-06 in 251082 control chromosomes. c.794C>T has been reported in the literature as a compound heterozygous genotype in individuals affected with Carbamoylphosphate Synthetase I Deficiency (example, PMID: 22575620, 33309754, 33190319). These data indicate that the variant is likely to be associated with disease. To our knowledge, no experimental evidence demonstrating an impact on protein function has been reported. No clinical diagnostic laboratories have submitted clinical-significance assessments for this variant to ClinVar after 2014. Based on the evidence outlined above, the variant was classified as likely pathogenic.

Literature cited by the submitters: PubMed 22575620 (cited by 4 submitters); PubMed 33190319 (cited by 4 submitters); PubMed 33309754 (cited by 4 submitters).